The following is an entry in ClinVar:

NC_000004.11:g.(?_107114746)_(107115931_?)del

Gene: TBCK (TBC1 domain containing kinase; minus strand). Cytogenetic location: 4q24.
Variant type: Deletion.
Identifiers: ClinVar variation 2423896 (VCV002423896.4).

ClinVar aggregate classification (germline): Pathogenic (1 of 4 stars; one submission).

Submission:

Labcorp Genetics (formerly Invitae), Labcorp
Classification: Pathogenic. Last evaluated: 2022-07-22. Review status: criteria provided, single submitter. Criteria: Invitae Variant Classification Sherloc (09022015). Collection method: clinical testing. Allele origin: germline.
Comment: This variant has not been reported in the literature in individuals affected with TBCK-related conditions. For these reasons, this variant has been classified as Pathogenic. This variant is a gross deletion of the genomic region encompassing exon(s) 21-22 of the TBCK gene. This deletion is out-of-frame, and is expected to create a premature termination codon and result in an absent or disrupted protein product. Loss-of-function variants in TBCK are known to be pathogenic (PMID: 27040692, 30103036).

Literature cited by the submitters: PubMed 27040692; PubMed 30103036.